The following is an entry in ClinVar:

ClinVar aggregate classification (germline): Likely benign. Review status: criteria provided, multiple submitters, no conflicts (2 of 4 stars). 2 submissions from 2 submitters: Likely benign (2). Last evaluated 2023-12-13.

Conditions:
Developmental and epileptic encephalopathy, 36 (DEE36). Also called: Congenital disorder of glycosylation, type Is; Epileptic encephalopathy, early infantile, 36; ALG13-CDG. Identifiers: Orphanet 324422, MedGen C4317295, MONDO:0010472, OMIM 300884.

Allele frequency attached by ClinVar (database versions not stated): TOPMed below 0.00001; gnomAD exomes 0.00002 and below 0.00001.

Submissions (2):

Labcorp Genetics (formerly Invitae), Labcorp
Classification: Likely benign for Developmental and epileptic encephalopathy, 36. Last evaluated: 2023-12-13. Review status: criteria provided, single submitter. Criteria: Invitae Variant Classification Sherloc (09022015). Collection method: clinical testing. Allele origin: germline.

GeneDx
Classification: Likely benign. Last evaluated: 2017-07-27. Review status: criteria provided, single submitter. Criteria: GeneDx Variant Classification (06012015). Collection method: clinical testing. Allele origin: germline. Affected: yes.
Comment: This variant is considered likely benign or benign based on one or more of the following criteria: it is a conservative change, it occurs at a poorly conserved position in the protein, it is predicted to be benign by multiple in silico algorithms, and/or has population frequency not consistent with disease.

NM_001099922.3(ALG13):c.2754A>G (p.Leu918=)

Gene: ALG13 (ALG13 UDP-N-acetylglucosaminyltransferase subunit; plus strand). Cytogenetic location: Xq23.
Variant type: single nucleotide variant.
Coding change: c.2754A>G on transcript NM_001099922.3 (MANE Select); coding-DNA position 2754, A replaced by G.
Protein change: p.Leu918=; no amino-acid change (leucine 918 retained).
Molecular consequence: synonymous variant. On other transcripts: intron variant (5).
Genome position (GRCh38, 1-based): chrX:111,744,726, A>G. VCF-style: chrX-111744726-A-G. GRCh37 (hg19) VCF-style: chrX-110987954-A-G.
Other names: c.2520A>G, p.Leu840= (NM_001257231.2); c.2383+7847A>G (NM_001257237.2, NM_001257234.2, NM_001257230.2); c.2209+7847A>G (NM_001324293.1); c.2695+7847A>G (NM_001324292.2).
Identifiers: ClinVar variation 389526 (VCV000389526.4), dbSNP rs1057523456, ClinGen allele CA16608683.